The following is an entry in ClinVar:

ClinVar aggregate classification (germline): Uncertain significance (1 of 4 stars; one submission).

gnomAD v4.1: 1 of 1,613,890 alleles (0.000062%); highest among the groups gnomAD compares: Non-Finnish European, 0.000085%; no homozygotes.

Submission:

GeneDx
Classification: Uncertain significance. Last evaluated: 2026-09-01. Review status: criteria provided, single submitter. Criteria: GeneDx Variant Classification Process June 2021. Collection method: clinical testing. Allele origin: germline.
Comment: Not observed at significant frequency in large population cohorts (gnomAD); In silico analysis supports that this missense variant has a deleterious effect on protein structure/function; Has not been previously published as pathogenic or benign to our knowledge

NM_004456.5(EZH2):c.1493A>G (p.Lys498Arg)

Gene: EZH2 (enhancer of zeste 2 polycomb repressive complex 2 subunit; minus strand). Cytogenetic location: 7q36.1.
Variant type: single nucleotide variant.
Coding change: c.1493A>G on transcript NM_004456.5 (MANE Select); coding-DNA position 1493, A replaced by G.
Protein change: p.Lys498Arg; replaces lysine 498 with arginine.
Molecular consequence: missense variant.
Genome position (GRCh38, 1-based): chr7:148,816,696, T>C on the plus strand (A>G on the coding strand, the complement: EZH2 is on the minus strand). VCF-style: chr7-148816696-T-C. GRCh37 (hg19) VCF-style: chr7-148513788-T-C.
Other names: c.1478A>G, p.Lys493Arg (NM_001203247.2); c.1451A>G, p.Lys484Arg (NM_001203248.2, NM_001203249.2); c.1361A>G, p.Lys454Arg (NM_152998.3); short protein forms K454R, K484R, K493R, K498R.
Identifiers: ClinVar variation 4282251 (VCV004282251.2).